The following is an entry in ClinVar:

NM_017534.6(MYH2):c.2908G>A (p.Val970Ile)

Genes: MYH2 (myosin heavy chain 2; minus strand), MYHAS (myosin heavy chain gene cluster antisense RNA; plus strand). Cytogenetic location: 17p13.1.
Variant type: single nucleotide variant.
Coding change: c.2908G>A on transcript NM_017534.6 (MANE Select); coding-DNA position 2908, G replaced by A.
Protein change: p.Val970Ile; replaces valine 970 with isoleucine.
Molecular consequence: missense variant.
Genome position (GRCh38, 1-based): chr17:10,529,864, C>T on the plus strand (G>A on the coding strand, the complement: MYH2 is on the minus strand). VCF-style: chr17-10529864-C-T. GRCh37 (hg19) VCF-style: chr17-10433181-C-T.
Other names: c.2908G>A, p.Val970Ile (NM_001100112.2); short protein forms V970I.
Identifiers: ClinVar variation 195769 (VCV000195769.69), dbSNP rs143872329, ClinGen allele CA201931.

ClinVar aggregate classification (germline): Benign/Likely benign. Review status: criteria provided, multiple submitters, no conflicts (2 of 4 stars). 7 submissions from 7 submitters: Benign (5); Likely benign (2). Last evaluated 2026-09-01.

Conditions:
Myopathy, proximal, and ophthalmoplegia (CMYO6). Also called: MYOPATHY WITH CONGENITAL JOINT CONTRACTURES, OPHTHALMOPLEGIA, AND RIMMED VACUOLES; CONGENITAL MYOPATHY 6 WITH OPHTHALMOPLEGIA; INCLUSION BODY MYOPATHY 3, AUTOSOMAL DOMINANT. Identifiers: Orphanet 363677, Orphanet 79091, MedGen C1854106, MONDO:0011577, OMIM 605637.

Allele frequency attached by ClinVar (database versions not stated): 1000 Genomes Project 30x 0.00406; TOPMed 0.00410; ESP Exome Variant Server 0.00424; gnomAD 0.00456 and 0.00466; 1000 Genomes Project 0.00459; gnomAD exomes 0.00528; ExAC 0.00601.
gnomAD v4.1: 11,761 of 1,613,804 alleles (0.73%); highest among the groups gnomAD compares: Non-Finnish European, 0.85%; 60 homozygotes.

Submissions (7):

CeGaT Center for Human Genetics Tuebingen
Classification: Benign. Last evaluated: 2026-09-01. Review status: criteria provided, single submitter. Criteria: CeGaT Center For Human Genetics Tuebingen Variant Classification Criteria Version 2. Collection method: clinical testing. Allele origin: germline. Affected: yes. Observed: 15 variant alleles.
Comment: MYH2: PP3, BS1, BS2

Labcorp Genetics (formerly Invitae), Labcorp
Classification: Likely benign for Myopathy, proximal, and ophthalmoplegia. Last evaluated: 2026-02-01. Review status: criteria provided, single submitter. Criteria: Invitae Variant Classification Sherloc (09022015). Collection method: clinical testing. Allele origin: germline.

Mendelics
Classification: Benign for Myopathy, proximal, and ophthalmoplegia. Last evaluated: 2019-05-28. Review status: criteria provided, single submitter. Criteria: Mendelics Assertion Criteria 2017. Collection method: clinical testing. Allele origin: unknown.

GeneDx
Classification: Benign. Last evaluated: 2018-12-06. Review status: criteria provided, single submitter. Criteria: GeneDx Variant Classification Process June 2021. Collection method: clinical testing. Allele origin: germline. Affected: yes.
Comment: This variant is associated with the following publications: (PMID: 24082139, 15741996, 32140910)

Mayo Clinic Laboratories, Mayo Clinic
Classification: Benign. Last evaluated: 2018-10-26. Review status: criteria provided, single submitter. Criteria: ACMG Guidelines, 2015. Collection method: clinical testing. Allele origin: germline. Observed: 10 variant alleles.

Illumina Laboratory Services, Illumina
Classification: Likely benign for Myopathy, proximal, and ophthalmoplegia. Last evaluated: 2017-04-27. Review status: criteria provided, single submitter. Criteria: ICSL Variant Classification Criteria 13 December 2019. Collection method: clinical testing. Allele origin: germline.
Comment: This variant was observed as part of a predisposition screen in an ostensibly healthy population. A literature search was performed for the gene, cDNA change, and amino acid change (where applicable). Publications were found based on this search. The evidence from the literature, in combination with allele frequency data from public databases where available, was sufficient to determine this variant is unlikely to cause disease. Therefore, this variant is classified as likely benign.

Eurofins Ntd Llc (ga)
Classification: Benign. Last evaluated: 2014-11-21. Review status: criteria provided, single submitter. Criteria: EGL Classification Definitions 2015. Collection method: clinical testing. Allele origin: germline. Observed: 2 variant alleles, 2 heterozygotes.

Literature cited by the submitters: PubMed 15741996 (cited by Illumina Laboratory Services, Illumina).